The following is an entry in ClinVar:

NM_152383.5(DIS3L2):c.2027G>T (p.Cys676Phe)

Gene: DIS3L2 (DIS3 like 3'-5' exoribonuclease 2; plus strand). Cytogenetic location: 2q37.1.
Variant type: single nucleotide variant.
Coding change: c.2027G>T on transcript NM_152383.5 (MANE Select); coding-DNA position 2027, G replaced by T.
Protein change: p.Cys676Phe; replaces cysteine 676 with phenylalanine.
Molecular consequence: missense variant. On other transcripts: non-coding transcript variant (2), intron variant (1).
Genome position (GRCh38, 1-based): chr2:232,333,856, G>T. VCF-style: chr2-232333856-G-T. GRCh37 (hg19) VCF-style: chr2-233198566-G-T.
Other names: c.1582-9489G>T (NM_001257281.2); short protein forms C676F.
Identifiers: ClinVar variation 2201639 (VCV002201639.4), dbSNP rs2469446305, ClinGen allele CA350977327.

ClinVar aggregate classification (germline): Uncertain significance (1 of 4 stars; one submission).

Conditions:
Perlman syndrome (PRLMNS). Identifiers: Orphanet 2849, MedGen C0796113, MONDO:0009965, OMIM 267000.

gnomAD v4.1: 1 of 1,612,006 alleles (0.000062%); highest among the groups gnomAD compares: Non-Finnish European, 0.000085%; no homozygotes.

Submission:

Labcorp Genetics (formerly Invitae), Labcorp
Classification: Uncertain significance for Perlman syndrome. Last evaluated: 2022-12-06. Review status: criteria provided, single submitter. Criteria: Invitae Variant Classification Sherloc (09022015). Collection method: clinical testing. Allele origin: germline.
Comment: This sequence change replaces cysteine, which is neutral and slightly polar, with phenylalanine, which is neutral and non-polar, at codon 676 of the DIS3L2 protein (p.Cys676Phe). This variant is not present in population databases (gnomAD no frequency). This variant has not been reported in the literature in individuals affected with DIS3L2-related conditions. Algorithms developed to predict the effect of missense changes on protein structure and function are either unavailable or do not agree on the potential impact of this missense change (SIFT: "Tolerated"; PolyPhen-2: "Probably Damaging"; Align-GVGD: "Class C0"). Algorithms developed to predict the effect of sequence changes on RNA splicing suggest that this variant may create or strengthen a splice site. In summary, the available evidence is currently insufficient to determine the role of this variant in disease. Therefore, it has been classified as a Variant of Uncertain Significance.